The following is an entry in ClinVar:

NM_000501.4(ELN):c.402_403delinsAT (p.Gly135Ter)

Gene: ELN (elastin; plus strand). Cytogenetic location: 7q11.23.
Variant type: Indel.
Coding change: c.402_403delinsAT on transcript NM_000501.4 (MANE Select); coding-DNA positions 402 to 403, CG replaced by AT.
Protein change: p.Gly135Ter; replaces glycine 135 with a stop codon.
Molecular consequence: nonsense.
Genome position (GRCh38, 1-based): chr7:74,043,143-74,043,144, CG replaced by AT. VCF-style: chr7-74043143-CG-AT. GRCh37 (hg19) VCF-style: chr7-73457473-CG-AT.
Other names: c.372_373delinsAT, p.Gly125Ter (NM_001081752.3, NM_001278917.2, NM_001278918.2); c.417_418delinsAT, p.Gly140Ter (NM_001081753.3, NM_001081754.3); c.402_403delinsAT, p.Gly135Ter (NM_001081755.3, NM_001278912.2, NM_001278915.2 and 2 more transcripts); c.366_367delinsAT, p.Gly123Ter (NM_001278913.2); c.387_388delinsAT, p.Gly130Ter (NM_001278914.2); short protein forms G123*, G125*, G130*, G140*, G135*.
Identifiers: ClinVar variation 4715012 (VCV004715012.1).

ClinVar aggregate classification (germline): Pathogenic (1 of 4 stars; one submission).

Conditions:
Supravalvar aortic stenosis (SVAS). Also called: Supravalvar aortic stenosis, Eisenberg type. Identifiers: Orphanet 3193, MedGen C0003499, MONDO:0008504, OMIM 185500, HP:0004381.

Submission:

Labcorp Genetics (formerly Invitae), Labcorp
Classification: Pathogenic for Supravalvar aortic stenosis. Last evaluated: 2025-03-28. Review status: criteria provided, single submitter. Criteria: Invitae Variant Classification Sherloc (09022015). Collection method: clinical testing. Allele origin: germline.
Comment: This sequence change creates a premature translational stop signal (p.Gly135*) in the ELN gene. It is expected to result in an absent or disrupted protein product. Loss-of-function variants in ELN are known to be pathogenic (PMID: 11175284). Information on the frequency of this variant in the gnomAD database is not available, as this variant may be reported differently in the database. This variant has not been reported in the literature in individuals affected with ELN-related conditions. For these reasons, this variant has been classified as Pathogenic.

Literature cited by the submitters: PubMed 11175284.